The following is an entry in ClinVar:

NM_001085487.3(MYSM1):c.2452A>G (p.Thr818Ala)

Gene: MYSM1 (Myb like, SWIRM and MPN domains 1; minus strand). Cytogenetic location: 1p32.1.
Variant type: single nucleotide variant.
Coding change: c.2452A>G on transcript NM_001085487.3 (MANE Select); coding-DNA position 2452, A replaced by G.
Protein change: p.Thr818Ala; replaces threonine 818 with alanine.
Molecular consequence: missense variant.
Genome position (GRCh38, 1-based): chr1:58,660,032, T>C on the plus strand (A>G on the coding strand, the complement: MYSM1 is on the minus strand). VCF-style: chr1-58660032-T-C. GRCh37 (hg19) VCF-style: chr1-59125704-T-C.
Other names: c.2452A>G (NM_001085487.2); short protein forms T818A.
Identifiers: ClinVar variation 1427299 (VCV001427299.7), dbSNP rs199949280, ClinGen allele CA877522.

ClinVar aggregate classification (germline): Conflicting classifications of pathogenicity. Review status: criteria provided, conflicting classifications (1 of 4 stars). 3 submissions from 3 submitters: Uncertain significance (2); Likely benign (1). Last evaluated 2024-12-16.

Conditions:
Inborn genetic diseases. Identifiers: MedGen C0950123, MeSH D030342.

Allele frequency attached by ClinVar (database versions not stated): 1000 Genomes Project 0.00020; gnomAD 0.00024 and 0.00022; gnomAD exomes 0.00002 and 0.00006; ExAC 0.00008; TOPMed 0.00023; 1000 Genomes Project 30x 0.00016; ESP Exome Variant Server 0.00009.
gnomAD v4.1: 68 of 1,605,032 alleles (0.0042%); highest among the groups gnomAD compares: African/African-American, 0.079%; 1 homozygote.

Submissions (3):

Labcorp Genetics (formerly Invitae), Labcorp
Classification: Uncertain significance. Last evaluated: 2024-12-16. Review status: criteria provided, single submitter. Criteria: Invitae Variant Classification Sherloc (09022015). Collection method: clinical testing. Allele origin: germline.
Comment: This sequence change replaces threonine, which is neutral and polar, with alanine, which is neutral and non-polar, at codon 818 of the MYSM1 protein (p.Thr818Ala). This variant is present in population databases (rs199949280, gnomAD 0.08%). This variant has not been reported in the literature in individuals affected with MYSM1-related conditions. ClinVar contains an entry for this variant (Variation ID: 1427299). Invitae Evidence Modeling of protein sequence and biophysical properties (such as structural, functional, and spatial information, amino acid conservation, physicochemical variation, residue mobility, and thermodynamic stability) indicates that this missense variant is not expected to disrupt MYSM1 protein function with a negative predictive value of 80%. In summary, the available evidence is currently insufficient to determine the role of this variant in disease. Therefore, it has been classified as a Variant of Uncertain Significance.

GeneDx
Classification: Uncertain significance. Last evaluated: 2024-12-10. Review status: criteria provided, single submitter. Criteria: GeneDx Variant Classification Process June 2021. Collection method: clinical testing. Allele origin: germline. Affected: yes.
Comment: In silico analysis indicates that this missense variant does not alter protein structure/function; Has not been previously published as pathogenic or benign to our knowledge

Ambry Genetics
Classification: Likely benign for Inborn genetic diseases. Last evaluated: 2024-11-12. Review status: criteria provided, single submitter. Criteria: Ambry Variant Classification Scheme 2023. Collection method: clinical testing. Allele origin: germline.